The following is an entry in ClinVar:

ClinVar aggregate classification (germline): Pathogenic (1 of 4 stars; one submission).

Conditions:
Early-infantile DEE. Also called: Early infantile epileptic encephalopathy; Ohtahara syndrome; Early infantile epileptic encephalopathy with suppression bursts. Identifiers: Orphanet 1934, MedGen C0393706, MONDO:0800491.

Submission:

Labcorp Genetics (formerly Invitae), Labcorp
Classification: Pathogenic for Early-infantile DEE. Last evaluated: 2025-03-12. Review status: criteria provided, single submitter. Criteria: Invitae Variant Classification Sherloc (09022015). Collection method: clinical testing. Allele origin: germline.
Comment: This sequence change creates a premature translational stop signal (p.Lys66*) in the KCNQ2 gene. It is expected to result in an absent or disrupted protein product. Loss-of-function variants in KCNQ2 are known to be pathogenic (PMID: 14534157, 23692823, 27779742). This variant is not present in population databases (gnomAD no frequency). This variant has not been reported in the literature in individuals affected with KCNQ2-related conditions. For these reasons, this variant has been classified as Pathogenic.

Literature cited by the submitters: PubMed 14534157; PubMed 23692823; PubMed 27779742.

NM_172107.4(KCNQ2):c.196A>T (p.Lys66Ter)

Gene: KCNQ2 (potassium voltage-gated channel subfamily Q member 2; minus strand). Cytogenetic location: 20q13.33.
Variant type: single nucleotide variant.
Coding change: c.196A>T on transcript NM_172107.4 (MANE Select); coding-DNA position 196, A replaced by T.
Protein change: p.Lys66Ter; replaces lysine 66 with a stop codon.
Molecular consequence: nonsense.
Genome position (GRCh38, 1-based): chr20:63,472,268, T>A on the plus strand (A>T on the coding strand, the complement: KCNQ2 is on the minus strand). VCF-style: chr20-63472268-T-A. GRCh37 (hg19) VCF-style: chr20-62103621-T-A.
Other names: c.196A>T, p.Lys66Ter (NM_001382235.1, NM_004518.6, NM_172106.3 and 2 more transcripts); short protein forms K66*.
Identifiers: ClinVar variation 3729375 (VCV003729375.2).